The following is an entry in ClinVar:

NM_024675.4(PALB2):c.3113+17G>T

Gene: PALB2 (partner and localizer of BRCA2; minus strand). Cytogenetic location: 16p12.2.
Variant type: single nucleotide variant.
Coding change: c.3113+17G>T on transcript NM_024675.4 (MANE Select); 17 bases into the intron after coding-DNA position 3113, G replaced by T.
Molecular consequence: intron variant.
Genome position (GRCh38, 1-based): chr16:23,621,345, C>A on the plus strand (G>T on the coding strand, the complement: PALB2 is on the minus strand). VCF-style: chr16-23621345-C-A. GRCh37 (hg19) VCF-style: chr16-23632666-C-A.
Identifiers: ClinVar variation 492210 (VCV000492210.15), dbSNP rs1451806881, ClinGen allele CA621356238.

ClinVar aggregate classification (germline): Likely benign. Review status: criteria provided, multiple submitters, no conflicts (2 of 4 stars). 4 submissions from 4 submitters: Likely benign (4). Last evaluated 2026-02-12.

Conditions:
Familial cancer of breast. Also called: Hereditary breast cancer; BREAST CANCER, FAMILIAL; hereditary breast carcinoma. Identifiers: Orphanet 227535, MedGen C0346153, MONDO:0016419, OMIM 114480. Disease mechanism: loss of function.
Hereditary cancer-predisposing syndrome. Also called: Tumor predisposition; Hereditary Cancer Syndrome; Neoplastic Syndromes, Hereditary; Hereditary neoplastic syndrome. Identifiers: Orphanet 140162, MedGen C0027672, MeSH D009386, MONDO:0015356.

Allele frequency attached by ClinVar (database versions not stated): gnomAD 0.00001; TOPMed 0.00001; gnomAD exomes below 0.00001.
gnomAD v4.1: 3 of 1,539,438 alleles (0.00019%); highest among the groups gnomAD compares: African/African-American, 0.0041%; no homozygotes.

Submissions (4):

Ambry Genetics
Classification: Likely benign for Hereditary cancer-predisposing syndrome. Last evaluated: 2026-02-12. Review status: criteria provided, single submitter. Criteria: Ambry Variant Classification Scheme 2023. Collection method: clinical testing. Allele origin: germline.

Labcorp Genetics (formerly Invitae), Labcorp
Classification: Likely benign for Familial cancer of breast. Last evaluated: 2025-10-23. Review status: criteria provided, single submitter. Criteria: Invitae Variant Classification Sherloc (09022015). Collection method: clinical testing. Allele origin: germline.

Color Diagnostics, LLC DBA Color Health
Classification: Likely benign for Hereditary cancer-predisposing syndrome. Last evaluated: 2017-08-02. Review status: criteria provided, single submitter. Criteria: ACMG Guidelines, 2015. Collection method: clinical testing. Allele origin: germline.

GeneDx
Classification: Likely benign. Last evaluated: 2017-04-03. Review status: criteria provided, single submitter. Criteria: GeneDx Variant Classification (06012015). Collection method: clinical testing. Allele origin: germline. Affected: yes.
Comment: This variant is considered likely benign or benign based on one or more of the following criteria: it is a conservative change, it occurs at a poorly conserved position in the protein, it is predicted to be benign by multiple in silico algorithms, and/or has population frequency not consistent with disease.